The following is an entry in ClinVar:

ClinVar aggregate classification (germline): Uncertain significance. Review status: criteria provided, multiple submitters, no conflicts (2 of 4 stars). 3 submissions from 3 submitters: Uncertain significance (3). Last evaluated 2022-06-15.

Conditions:
MEGF10-related myopathy (CMYO10A). Also called: Congenital myopathy 10A, severe variant. Identifiers: Orphanet 439212, MedGen C3280679, MONDO:0013731, OMIM 614399.

Allele frequency attached by ClinVar (database versions not stated): gnomAD exomes 0.00008; ExAC 0.00009; gnomAD 0.00036 and 0.00039; TOPMed 0.00041; ESP Exome Variant Server 0.00046; 1000 Genomes Project 30x 0.00062; 1000 Genomes Project 0.00080.
gnomAD v4.1: 145 of 1,594,694 alleles (0.0091%); highest among the groups gnomAD compares: African/African-American, 0.1%; no homozygotes.

Submissions (3):

Labcorp Genetics (formerly Invitae), Labcorp
Classification: Uncertain significance for MEGF10-related myopathy. Last evaluated: 2022-06-15. Review status: criteria provided, single submitter. Criteria: Invitae Variant Classification Sherloc (09022015). Collection method: clinical testing. Allele origin: germline.
Comment: This sequence change replaces arginine, which is basic and polar, with glutamine, which is neutral and polar, at codon 151 of the MEGF10 protein (p.Arg151Gln). This variant is present in population databases (rs78069165, gnomAD 0.09%). This missense change has been observed in individual(s) with clinical features of MEGF10-related conditions (PMID: 31501239). ClinVar contains an entry for this variant (Variation ID: 423563). Algorithms developed to predict the effect of missense changes on protein structure and function (SIFT, PolyPhen-2, Align-GVGD) all suggest that this variant is likely to be disruptive. In summary, the available evidence is currently insufficient to determine the role of this variant in disease. Therefore, it has been classified as a Variant of Uncertain Significance.

GeneDx
Classification: Uncertain significance. Last evaluated: 2020-05-21. Review status: criteria provided, single submitter. Criteria: GeneDx Variant Classification Process June 2021. Collection method: clinical testing. Allele origin: germline. Affected: yes.
Comment: In silico analysis supports that this missense variant does not alter protein structure/function; Has not been previously published as pathogenic or benign to our knowledge; This variant is associated with the following publications: (PMID: 31501239)

Breakthrough Genomics
Classification: Uncertain significance. Review status: criteria provided, single submitter. Criteria: ACMG Guidelines, 2015. Collection method: not provided. Allele origin: germline. Inheritance: Autosomal recessive inheritance. Affected: yes.

Literature cited by the submitters: PubMed 31501239 (cited by Labcorp Genetics (formerly Invitae), Labcorp).

NM_001256545.2(MEGF10):c.452G>A (p.Arg151Gln)

Gene: MEGF10 (multiple EGF like domains 10; plus strand). Cytogenetic location: 5q23.2.
Variant type: single nucleotide variant.
Coding change: c.452G>A on transcript NM_001256545.2 (MANE Select); coding-DNA position 452, G replaced by A.
Protein change: p.Arg151Gln; replaces arginine 151 with glutamine.
Molecular consequence: missense variant.
Genome position (GRCh38, 1-based): chr5:127,396,571, G>A. VCF-style: chr5-127396571-G-A. GRCh37 (hg19) VCF-style: chr5-126732263-G-A.
Other names: c.452G>A, p.Arg151Gln (NM_001308119.2, NM_001308121.2, NM_032446.3); short protein forms R151Q.
Identifiers: ClinVar variation 423563 (VCV000423563.10), dbSNP rs78069165, ClinGen allele CA3391301.